The following is an entry in ClinVar:

NM_001042492.3(NF1):c.2721del (p.Val909fs)

Gene: NF1 (neurofibromin 1; plus strand). Cytogenetic location: 17q11.2.
Variant type: Deletion.
Coding change: c.2721del on transcript NM_001042492.3 (MANE Select); coding-DNA position 2721, one base deleted (G; older notation c.2721delG).
Protein change: p.Val909fs; shifts the reading frame from valine 909.
Molecular consequence: frameshift variant.
Genome position (GRCh38, 1-based): chr17:31,229,336, G deleted. VCF-style (leftmost placement, unchanged base first): chr17-31229335-AG-A. GRCh37 (hg19) VCF-style: chr17-29556353-AG-A.
Other names: c.2721delG, p.Val909Trpfs (NM_000267.4); short protein forms V909fs.
Identifiers: ClinVar variation 1073541 (VCV001073541.5), dbSNP rs2151429516, ClinGen allele CA2499224060.

ClinVar aggregate classification (germline): Pathogenic (1 of 4 stars; one submission).

Conditions:
Neurofibromatosis, type 1 (NF1). Also called: VON RECKLINGHAUSEN DISEASE; Peripheral type neurofibromatosis; NEUROFIBROMATOSIS, TYPE I, SOMATIC; Neurofibromatosis, type I. Identifiers: Orphanet 636, MedGen C0027831, MONDO:0018975, OMIM 162200. Disease mechanism: loss of function.

Submission:

Labcorp Genetics (formerly Invitae), Labcorp
Classification: Pathogenic for Neurofibromatosis, type 1. Last evaluated: 2020-06-18. Review status: criteria provided, single submitter. Criteria: Invitae Variant Classification Sherloc (09022015). Collection method: clinical testing. Allele origin: germline.
Comment: Loss-of-function variants in NF1 are known to be pathogenic (PMID: 10712197, 23913538). For these reasons, this variant has been classified as Pathogenic. This variant has not been reported in the literature in individuals with NF1-related conditions. This variant is not present in population databases (ExAC no frequency). This sequence change creates a premature translational stop signal (p.Val909Trpfs*15) in the NF1 gene. It is expected to result in an absent or disrupted protein product.

Literature cited by the submitters: PubMed 10712197; PubMed 23913538.